The following is an entry in ClinVar:

ClinVar aggregate classification (germline): Conflicting classifications of pathogenicity. Review status: criteria provided, conflicting classifications (1 of 4 stars). 2 submissions from 2 submitters: Uncertain significance (1); Likely benign (1). Last evaluated 2023-03-23.

Conditions:
Hereditary cancer-predisposing syndrome. Also called: Neoplastic Syndromes, Hereditary; Tumor predisposition; Hereditary Cancer Syndrome; Hereditary neoplastic syndrome. Identifiers: Orphanet 140162, MedGen C0027672, MeSH D009386, MONDO:0015356.

Submissions (2):

University of Washington Department of Laboratory Medicine, University of Washington
Classification: Likely benign for Hereditary cancer-predisposing syndrome. Last evaluated: 2023-03-23. Review status: criteria provided, single submitter. Criteria: Dines et al. (Genet Med. 2020). Collection method: curation. Allele origin: germline.
Comment: Missense variant in a coldspot region where missense variants are very unlikely to be pathogenic (PMID:31911673).

BRCA2 exon 11 coldspot. Reclassification based on statistical prior probability.

Ambry Genetics
Classification: Uncertain significance for Hereditary cancer-predisposing syndrome. Last evaluated: 2015-09-27. Review status: criteria provided, single submitter. Criteria: Ambry Variant Classification Scheme 2023. Collection method: clinical testing. Allele origin: germline.
Comment: The p.T656N variant (also known as c.1967C>A), located in coding exon 10 of the BRCA2 gene, results from a C to A substitution at nucleotide position 1967. The threonine at codon 656 is replaced by asparagine, an amino acid with similar properties. This variant was not reported in population based cohorts in the following databases: Database of Single Nucleotide Polymorphisms (dbSNP), NHLBI Exome Sequencing Project (ESP), and 1000 Genomes Project. In the ESP, this variant was not observed in 6503 samples (13006 alleles) with coverage at this position. To date, this alteration has been detected with an allele frequency of approximately 0.001% (greater than 150000 alleles tested) in our clinical cohort. This amino acid position is not well conserved in available vertebrate species. In addition, this alteration is predicted to be tolerated by in silico analysis. Since supporting evidence is limited at this time, the clinical significance of p.T656N remains unclear.

NM_000059.4(BRCA2):c.1967C>A (p.Thr656Asn)

Gene: BRCA2 (BRCA2 DNA repair associated; plus strand). Cytogenetic location: 13q13.1.
Variant type: single nucleotide variant.
Coding change: c.1967C>A on transcript NM_000059.4 (MANE Select); coding-DNA position 1967, C replaced by A.
Protein change: p.Thr656Asn; replaces threonine 656 with asparagine.
Molecular consequence: missense variant.
Genome position (GRCh38, 1-based): chr13:32,336,322, C>A. VCF-style: chr13-32336322-C-A. GRCh37 (hg19) VCF-style: chr13-32910459-C-A.
Other names: short protein forms T656N.
Identifiers: ClinVar variation 234113 (VCV000234113.7), dbSNP rs876660857, ClinGen allele CA10579518.